The following is an entry in ClinVar:

ClinVar aggregate classification (germline): Uncertain significance (1 of 4 stars; one submission).

Allele frequency attached by ClinVar (database versions not stated): gnomAD 0.00001; ESP Exome Variant Server 0.00008.
gnomAD v4.1: 12 of 1,613,120 alleles (0.00074%); highest among the groups gnomAD compares: Admixed American, 0.0017%; no homozygotes.

Submission:

Labcorp Genetics (formerly Invitae), Labcorp
Classification: Uncertain significance. Last evaluated: 2024-07-15. Review status: criteria provided, single submitter. Criteria: Invitae Variant Classification Sherloc (09022015). Collection method: clinical testing. Allele origin: germline.
Comment: This sequence change falls in intron 6 of the TNFRSF11A gene. It does not directly change the encoded amino acid sequence of the TNFRSF11A protein. It affects a nucleotide within the consensus splice site. This variant is present in population databases (rs369661742, gnomAD 0.005%). This variant has not been reported in the literature in individuals affected with TNFRSF11A-related conditions. Variants that disrupt the consensus splice site are a relatively common cause of aberrant splicing (PMID: 17576681, 9536098). Algorithms developed to predict the effect of sequence changes on RNA splicing suggest that this variant is not likely to affect RNA splicing. In summary, the available evidence is currently insufficient to determine the role of this variant in disease. Therefore, it has been classified as a Variant of Uncertain Significance.

Literature cited by the submitters: PubMed 17576681; PubMed 9536098.

NM_003839.4(TNFRSF11A):c.616+4T>C

Gene: TNFRSF11A (TNF receptor superfamily member 11a; plus strand). Cytogenetic location: 18q21.33.
Variant type: single nucleotide variant.
Coding change: c.616+4T>C on transcript NM_003839.4 (MANE Select); 4 bases into the intron after coding-DNA position 616, T replaced by C.
Molecular consequence: intron variant.
Genome position (GRCh38, 1-based): chr18:62,360,053, T>C. VCF-style: chr18-62360053-T-C. GRCh37 (hg19) VCF-style: chr18-60027286-T-C.
Other names: c.616+4T>C (NM_001270949.2, NM_001270950.2, NM_001270951.2); c.574+4T>C (NM_001278268.2).
Identifiers: ClinVar variation 2804003 (VCV002804003.3), dbSNP rs369661742, ClinGen allele CA8983804.